The following is an entry in ClinVar:

NM_153704.6(TMEM67):c.1621T>C (p.Leu541=)

Gene: TMEM67 (transmembrane protein 67; plus strand). Cytogenetic location: 8q22.1.
Variant type: single nucleotide variant.
Coding change: c.1621T>C on transcript NM_153704.6 (MANE Select); coding-DNA position 1621, T replaced by C.
Protein change: p.Leu541=; no amino-acid change (leucine 541 retained).
Molecular consequence: synonymous variant. On other transcripts: non-coding transcript variant (1).
Genome position (GRCh38, 1-based): chr8:93,793,243, T>C. VCF-style: chr8-93793243-T-C. GRCh37 (hg19) VCF-style: chr8-94805471-T-C.
Other names: c.1378T>C, p.Leu460= (NM_001142301.1).
Identifiers: ClinVar variation 2929276 (VCV002929276.4), dbSNP rs1420559146, ClinGen allele CA461861169.
Genomic context (GRCh38, chr8:93,793,243, plus strand): 5'-TCTTTTGTTTTTTAGATTGCTTTGGGTGTATTGGGTGGGCTAGCTGTTTTAGCATCTCTT[T>C]TGAAGACAGCAGGATGGAAGAGGCGCATTGGGAGTCCCATGATTGATTTACAGGTATAAT-3'
Protein context (NP_714915.3, residues 531-551): LGGLAVLASL[Leu541=]KTAGWKRRIG

ClinVar aggregate classification (germline): Likely benign. Review status: criteria provided, multiple submitters, no conflicts (2 of 4 stars). 2 submissions from 2 submitters: Likely benign (2). Last evaluated 2025-10-17.

Conditions:
TMEM67-related disorder. Also called: TMEM67-related condition; TMEM67-related disorders. Identifiers: MedGen CN239423.
Meckel-Gruber syndrome. Also called: Dysencephalia splachnocystica; DYSENCEPHALIA SPLANCHNOCYSTICA; GRUBER SYNDROME. Identifiers: Orphanet 564, MedGen C0265215, MONDO:0018921.
Joubert syndrome. Also called: Familial aplasia of the vermis; JOUBERT-BOLTSHAUSER SYNDROME. Identifiers: Orphanet 475, MedGen C5979921, MONDO:0018772.

Allele frequency attached by ClinVar (database versions not stated): gnomAD exomes 0.00001; TOPMed 0.00001.
gnomAD v4.1: 8 of 1,614,198 alleles (0.0005%); highest among the groups gnomAD compares: East Asian, 0.0022%; no homozygotes.

Submissions (2):

PreventionGenetics, part of Exact Sciences
Classification: Likely benign for TMEM67-related condition. Last evaluated: 2025-10-17. Review status: criteria provided, single submitter. Criteria: ACMG Guidelines, 2015. Collection method: clinical testing. Allele origin: germline.
Comment: This variant is classified as likely benign based on ACMG/AMP sequence variant interpretation guidelines (Richards et al. 2015 PMID: 25741868, with internal and published modifications).

Labcorp Genetics (formerly Invitae), Labcorp
Classification: Likely benign for Joubert syndrome; Meckel-Gruber syndrome. Last evaluated: 2024-02-16. Review status: criteria provided, single submitter. Criteria: Invitae Variant Classification Sherloc (09022015). Collection method: clinical testing. Allele origin: germline.